The following is an entry in ClinVar:

ClinVar aggregate classification (germline): Uncertain significance. Review status: criteria provided, multiple submitters, no conflicts (2 of 4 stars). 5 submissions from 5 submitters: Uncertain significance (5). Last evaluated 2026-01-14.

Conditions:
KIF7-related disorder. Also called: KIF7-related condition.
Acrocallosal syndrome (ACLS). Also called: Schinzel syndrome 1; Absence of corpus callosum with unusual facial appearance, mental deficiency, duplication of the halluces and polydactyly; HALLUX DUPLICATION, POSTAXIAL POLYDACTYLY, AND ABSENCE OF CORPUS CALLOSUM. Identifiers: Orphanet 36, MedGen C0796147, MONDO:0008708, OMIM 200990.
Inborn genetic diseases. Identifiers: MedGen C0950123, MeSH D030342.

Allele frequency attached by ClinVar (database versions not stated): ExAC 0.00009; gnomAD 0.00009 and 0.00010; gnomAD exomes 0.00009; TOPMed 0.00009.
gnomAD v4.1: 62 of 1,611,076 alleles (0.0038%); highest among the groups gnomAD compares: Admixed American, 0.043%; no homozygotes.

Submissions (5):

GeneDx
Classification: Uncertain significance. Last evaluated: 2026-01-14. Review status: criteria provided, single submitter. Criteria: GeneDx Variant Classification Process June 2021. Collection method: clinical testing. Allele origin: germline. Affected: yes.
Comment: Reported as a heterozygous variant in a patient with Joubert syndrome in the published literature; however, a second variant in KIF7 was not identified (PMID: Lee2016[casereport]); In silico analysis supports that this missense variant has a deleterious effect on protein structure/function; This variant is associated with the following publications: (PMID: Lee2016[casereport])

Ambry Genetics
Classification: Uncertain significance for Inborn genetic diseases. Last evaluated: 2025-06-10. Review status: criteria provided, single submitter. Criteria: Ambry Variant Classification Scheme 2023. Collection method: clinical testing. Allele origin: germline.

PreventionGenetics, part of Exact Sciences
Classification: Uncertain significance for KIF7-related condition. Last evaluated: 2024-12-16. Review status: criteria provided, single submitter. Criteria: ACMG Guidelines, 2015. Collection method: clinical testing. Allele origin: germline.
Comment: The KIF7 c.3973C>T variant is predicted to result in the amino acid substitution p.Arg1325Trp. To our knowledge, this variant has not been reported in the literature. This variant is reported in 0.043% of alleles in individuals of Latino descent in gnomAD. At this time, the clinical significance of this variant is uncertain due to the absence of conclusive functional and genetic evidence.

Labcorp Genetics (formerly Invitae), Labcorp
Classification: Uncertain significance for Acrocallosal syndrome. Last evaluated: 2022-10-18. Review status: criteria provided, single submitter. Criteria: Invitae Variant Classification Sherloc (09022015). Collection method: clinical testing. Allele origin: germline.
Comment: This sequence change replaces arginine, which is basic and polar, with tryptophan, which is neutral and slightly polar, at codon 1325 of the KIF7 protein (p.Arg1325Trp). This variant is present in population databases (rs777140020, gnomAD 0.05%). This variant has not been reported in the literature in individuals affected with KIF7-related conditions. ClinVar contains an entry for this variant (Variation ID: 888359). Advanced modeling of protein sequence and biophysical properties (such as structural, functional, and spatial information, amino acid conservation, physicochemical variation, residue mobility, and thermodynamic stability) performed at Invitae indicates that this missense variant is not expected to disrupt KIF7 protein function. In summary, the available evidence is currently insufficient to determine the role of this variant in disease. Therefore, it has been classified as a Variant of Uncertain Significance.

Illumina Laboratory Services, Illumina
Classification: Uncertain significance for Acrocallosal syndrome. Last evaluated: 2018-01-12. Review status: criteria provided, single submitter. Criteria: ICSL Variant Classification Criteria 13 December 2019. Collection method: clinical testing. Allele origin: germline.

NM_198525.3(KIF7):c.3973C>T (p.Arg1325Trp)

Gene: KIF7 (kinesin family member 7; minus strand). Cytogenetic location: 15q26.1.
Variant type: single nucleotide variant.
Coding change: c.3973C>T on transcript NM_198525.3 (MANE Select); coding-DNA position 3973, C replaced by T.
Protein change: p.Arg1325Trp; replaces arginine 1325 with tryptophan.
Molecular consequence: missense variant.
Genome position (GRCh38, 1-based): chr15:89,628,478, G>A on the plus strand (C>T on the coding strand, the complement: KIF7 is on the minus strand). VCF-style: chr15-89628478-G-A. GRCh37 (hg19) VCF-style: chr15-90171709-G-A.
Other names: short protein forms R1325W.
Identifiers: ClinVar variation 888359 (VCV000888359.14), dbSNP rs777140020, ClinGen allele CA7727463.